The following is an entry in ClinVar:

ClinVar aggregate classification (germline): Uncertain significance (1 of 4 stars; one submission).

Submission:

Labcorp Genetics (formerly Invitae), Labcorp
Classification: Uncertain significance. Last evaluated: 2022-05-29. Review status: criteria provided, single submitter. Criteria: Invitae Variant Classification Sherloc (09022015). Collection method: clinical testing. Allele origin: germline.
Comment: This sequence change replaces glutamine, which is neutral and polar, with leucine, which is neutral and non-polar, at codon 1711 of the DSCAML1 protein (p.Gln1711Leu). This variant is not present in population databases (gnomAD no frequency). This variant has not been reported in the literature in individuals affected with DSCAML1-related conditions. Algorithms developed to predict the effect of missense changes on protein structure and function are either unavailable or do not agree on the potential impact of this missense change (SIFT: "Deleterious"; PolyPhen-2: "Possibly Damaging"; Align-GVGD: "Class C0"). In summary, the available evidence is currently insufficient to determine the role of this variant in disease. Therefore, it has been classified as a Variant of Uncertain Significance.

NM_020693.4(DSCAML1):c.4952A>T (p.Gln1651Leu)

Gene: DSCAML1 (DS cell adhesion molecule like 1; minus strand). Cytogenetic location: 11q23.3.
Variant type: single nucleotide variant.
Coding change: c.4952A>T on transcript NM_020693.4 (MANE Select); coding-DNA position 4952, A replaced by T.
Protein change: p.Gln1651Leu; replaces glutamine 1651 with leucine.
Molecular consequence: missense variant.
Genome position (GRCh38, 1-based): chr11:117,433,212, T>A on the plus strand (A>T on the coding strand, the complement: DSCAML1 is on the minus strand). VCF-style: chr11-117433212-T-A. GRCh37 (hg19) VCF-style: chr11-117303928-T-A.
Other names: short protein forms Q1651L.
Identifiers: ClinVar variation 2000445 (VCV002000445.4), dbSNP rs2542976452, ClinGen allele CA382756295.
Genomic context (GRCh38, chr11:117,433,212, plus strand): 5'-CCTTCTTTGTCCTCGATGAGCAGCTGGACCCTGGGGATGTCAATGTGTAGCCGTGGGCCC[T>A]GGGGTGGCCCTTTCACAGGGGTGTCAAAGCTTCTATTGTTCTTGCTGTGGGGAGAAAGAC-3'
Protein context (NP_065744.3, residues 1641-1661): SFDTPVKGPP[Gln1651Leu]GPRLHIDIPR